The following is an entry in ClinVar:

NM_004260.4(RECQL4):c.50_51dup (p.Phe18fs)

Genes: RECQL4 (RecQ like helicase 4; minus strand), LOC130001411 (ATAC-STARR-seq lymphoblastoid silent region 19699; plus strand). Cytogenetic location: 8q24.3.
Variant type: Microsatellite.
Coding change: c.50_51dup on transcript NM_004260.4 (MANE Select); coding-DNA positions 50 to 51, 2 bases duplicated (CG; older notation c.50_51dupCG).
Protein change: p.Phe18fs; shifts the reading frame from phenylalanine 18.
Molecular consequence: frameshift variant.
Genome position (GRCh38, 1-based): chr8:144,517,734-144,517,735, CG duplicated on the plus strand (CG on the coding strand, the reverse complement: RECQL4 is on the minus strand); duplicating any 2 consecutive bases within chr8:144,517,734-144,517,740 gives the same sequence; the c. name uses the placement nearest the transcript's 3' end. VCF-style (leftmost placement, unchanged base first): chr8-144517733-A-ACG. GRCh37 (hg19) VCF-style: chr8-145743117-A-ACG.
Other names: short protein forms F18fs.
Identifiers: ClinVar variation 956749 (VCV000956749.7), dbSNP rs1391918705, ClinGen allele CA585833126.

ClinVar aggregate classification (germline): Pathogenic (1 of 4 stars; one submission).

Conditions:
Baller-Gerold syndrome (BGS). Also called: CRANIOSYNOSTOSIS WITH RADIAL DEFECTS. Identifiers: Orphanet 1225, MedGen C0265308, MONDO:0009039, OMIM 218600.

Submission:

Labcorp Genetics (formerly Invitae), Labcorp
Classification: Pathogenic for Baller-Gerold syndrome. Last evaluated: 2023-07-21. Review status: criteria provided, single submitter. Criteria: Invitae Variant Classification Sherloc (09022015). Collection method: clinical testing. Allele origin: germline.
Comment: For these reasons, this variant has been classified as Pathogenic. ClinVar contains an entry for this variant (Variation ID: 956749). This variant has not been reported in the literature in individuals affected with RECQL4-related conditions. This variant is present in population databases (no rsID available, gnomAD 0.007%). This sequence change creates a premature translational stop signal (p.Phe18Argfs*32) in the RECQL4 gene. It is expected to result in an absent or disrupted protein product. Loss-of-function variants in RECQL4 are known to be pathogenic (PMID: 12734318, 12952869).

Literature cited by the submitters: PubMed 12734318; PubMed 12952869.